The following is an entry in ClinVar:

ClinVar aggregate classification (germline): Conflicting classifications of pathogenicity. Review status: criteria provided, conflicting classifications (1 of 4 stars). 10 submissions from 10 submitters: Uncertain significance (4); Benign (1); Likely benign (5). Last evaluated 2026-08-17.

Conditions:
USH2A-related disorder. Also called: USH2A-related disorders; USH2A-related condition. Identifiers: MedGen CN239332.
Usher syndrome type 2A. Also called: USHER SYNDROME, TYPE IIA; RETINAL DISEASE IN USHER SYNDROME TYPE IIA, MODIFIER OF. Identifiers: Orphanet 231178, Orphanet 886, MedGen C1848634, MONDO:0010169, OMIM 276901.

Allele frequency attached by ClinVar (database versions not stated): 1000 Genomes Project 30x 0.00016; 1000 Genomes Project 0.00020; ExAC 0.00031; gnomAD exomes 0.00031 and 0.00052; TOPMed 0.00052; gnomAD 0.00054 and 0.00056; ESP Exome Variant Server 0.00077.
gnomAD v4.1: 851 of 1,614,040 alleles (0.053%); highest among the groups gnomAD compares: Admixed American, 0.067%; no homozygotes.

Submissions (10):

PreventionGenetics, part of Exact Sciences
Classification: Uncertain significance for USH2A-related condition. Last evaluated: 2026-08-17. Review status: criteria provided, single submitter. Criteria: ACMG Guidelines, 2015. Collection method: clinical testing. Allele origin: germline.
Comment: The USH2A c.12343C>T variant is predicted to result in the amino acid substitution p.Arg4115Cys. This variant has been reported as a complex allele (in cis with p.Thr4425Met and p.Cys759Phe or with p.Thr4425Met only) in the compound heterozygous state in multiple individuals with Usher syndrome or retinitis pigmentosa (see for examples, van Wijk et al. 2004. PubMed ID: 15015129; Baux et al. 2007. PubMed ID: 17405132; Neveling et al. 2012. PubMed ID: 22334370; Bonnet et al. 2016. PubMed ID: 27460420). However, this variant is reported in 0.054% of alleles in individuals of Latino descent in gnomAD, which is likely too frequent to be a primary cause of disease. Although we suspect this variant may be benign, the clinical significance of this variant is uncertain due to the absence of conclusive functional and genetic evidence.

Labcorp Genetics (formerly Invitae), Labcorp
Classification: Likely benign. Last evaluated: 2026-01-15. Review status: criteria provided, single submitter. Criteria: Invitae Variant Classification Sherloc (09022015). Collection method: clinical testing. Allele origin: germline.

CeGaT Center for Human Genetics Tuebingen
Classification: Likely benign. Last evaluated: 2026-01-01. Review status: criteria provided, single submitter. Criteria: CeGaT Center For Human Genetics Tuebingen Variant Classification Criteria Version 2. Collection method: clinical testing. Allele origin: germline. Affected: yes. Observed: 1 variant allele.
Comment: USH2A: BP4

Blueprint Genetics
Classification: Likely benign. Last evaluated: 2024-10-11. Review status: criteria provided, single submitter. Criteria: ACMG Guidelines, 2015. Collection method: clinical testing. Allele origin: germline.

Women's Health and Genetics/Laboratory Corporation of America, LabCorp
Classification: Likely benign. Last evaluated: 2023-08-23. Review status: criteria provided, single submitter. Criteria: LabCorp Variant Classification Summary - May 2015. Collection method: clinical testing. Allele origin: germline.
Comment: Variant summary: USH2A c.12343C>T (p.Arg4115Cys) results in a non-conservative amino acid change located in the Fibronectin type III (IPR003961) of the encoded protein sequence. Three of five in-silico tools predict a damaging effect of the variant on protein function. The variant allele was found at a frequency of 0.00031 in 250496 control chromosomes. This frequency is not significantly higher than estimated for a pathogenic variant in USH2A causing Usher Syndrome (0.00031 vs 0.011), allowing no conclusion about variant significance. c.12343C>T has been reported in the literature in individuals affected with Usher Syndrome and Retinitis Pigmentosa (e.g. Pierrache_2016, Garcia-Garcia_2011, Reurink_2023, vanHuet_2015, Azaiez_2018) without evidence for causality. Additionally, co-occurrences with other pathogenic variants have been reported in cis with this variant (USH2A c.13274C>T, p.T4425M; USH2A c.13274C>T, p.T4425M; USH2A c.1876C>T, p.R626Ter) (e.g. vanWijk_2004, Bonnet_2016, Dreyer_2008) , providing supporting evidence for a benign role. To our knowledge, no experimental evidence demonstrating an impact on protein function has been reported. The following publications have been ascertained in the context of this evaluation (PMID: 30245029, 27460420, 18273898, 22004887, 26927203, 25999674, 15015129, 30902645). Seven submitters have cited clinical-significance assessments for this variant to ClinVar after 2014 and classified as benign/likely benign (n=3) and VUS (n=4). Based on the evidence outlined above, the variant was classified as likely benign.

GeneDx
Classification: Uncertain significance. Last evaluated: 2022-06-29. Review status: criteria provided, single submitter. Criteria: GeneDx Variant Classification Process June 2021. Collection method: clinical testing. Allele origin: germline. Affected: yes.
Comment: Identified in patients with Usher syndrome or retinitis pigmentosa in published literature, although additional clinical information and familial segregation information were not provided in some cases (Garcia-Garcia et al., 2011; Pierrache et al., 2016; van Huet et al., 2015); In silico analysis supports that this missense variant has a deleterious effect on protein structure/function; This variant is associated with the following publications: (PMID: 30245029, 25999674, 15015129, 26927203, 22334370, 18273898, 16963483, 27460420, 22004887, 17405132, 32483926)

Revvity Omics, Revvity
Classification: Uncertain significance. Last evaluated: 2021-10-14. Review status: criteria provided, single submitter. Criteria: ACMG Guidelines, 2015. Collection method: clinical testing. Allele origin: germline.

Mendelics
Classification: Benign for Usher syndrome type 2A. Last evaluated: 2019-05-28. Review status: criteria provided, single submitter. Criteria: Mendelics Assertion Criteria 2017. Collection method: clinical testing. Allele origin: unknown.

Eurofins Ntd Llc (ga)
Classification: Uncertain significance. Last evaluated: 2017-05-23. Review status: criteria provided, single submitter. Criteria: EGL Classification Definitions 2015. Collection method: clinical testing. Allele origin: germline. Observed: 1 variant allele, 1 heterozygote.

Laboratory for Molecular Medicine, Mass General Brigham Personalized Medicine
Classification: Likely benign. Last evaluated: 2015-04-24. Review status: criteria provided, single submitter. Criteria: LMM Criteria. Collection method: clinical testing. Allele origin: germline. Observed: 5 variant alleles.
Comment: p.Arg4115Cys in exon 63 of USH2A: This variant has been reported in 8 individual s with Usher syndrome and 2 individuals with retinitis pigmentosa. However, 3 of the individuals with Usher syndrome carried another pathogenic variant on the s ame allele and 4 of the 10 individuals carried 2 pathogenic variants in USH2A th at were sufficient to explain their disease. As a result, this variant is not ex pected to have clinical significance. It has also been identified in 32/66436 Eu ropean chromosomes by the Exome Aggregation Consortium (ExAC; dbSNP rs111033275).

Literature cited by the submitters: PubMed 18273898 (cited by 3 submitters); PubMed 30245029 (cited by Women's Health and Genetics/Laboratory Corporation of America, LabCorp); PubMed 22004887 (cited by Women's Health and Genetics/Laboratory Corporation of America, LabCorp and Eurofins Ntd Llc (ga)); PubMed 26927203 (cited by Women's Health and Genetics/Laboratory Corporation of America, LabCorp); PubMed 27460420 (cited by Women's Health and Genetics/Laboratory Corporation of America, LabCorp and Eurofins Ntd Llc (ga)); PubMed 25999674 (cited by Women's Health and Genetics/Laboratory Corporation of America, LabCorp); PubMed 15015129 (cited by 3 submitters); PubMed 30902645 (cited by Women's Health and Genetics/Laboratory Corporation of America, LabCorp); PubMed 16963483 (cited by Eurofins Ntd Llc (ga)); PubMed 17405132 (cited by Eurofins Ntd Llc (ga) and Laboratory for Molecular Medicine, Mass General Brigham Personalized Medicine); PubMed 22334370 (cited by Eurofins Ntd Llc (ga)).

NM_206933.4(USH2A):c.12343C>T (p.Arg4115Cys)

Gene: USH2A (usherin; minus strand). Cytogenetic location: 1q41.
Variant type: single nucleotide variant.
Coding change: c.12343C>T on transcript NM_206933.4 (MANE Select); coding-DNA position 12343, C replaced by T.
Protein change: p.Arg4115Cys; replaces arginine 4115 with cysteine.
Molecular consequence: missense variant.
Genome position (GRCh38, 1-based): chr1:215,675,568, G>A on the plus strand (C>T on the coding strand, the complement: USH2A is on the minus strand). VCF-style: chr1-215675568-G-A. GRCh37 (hg19) VCF-style: chr1-215848910-G-A.
Other names: c.12343C>T (NM_206933.3); short protein forms R4115C.
Identifiers: ClinVar variation 48397 (VCV000048397.29), dbSNP rs111033275, ClinGen allele CA143286.